The following is an entry in ClinVar:

NM_206937.2(LIG4):c.2482G>A (p.Asp828Asn)

Gene: LIG4 (DNA ligase 4; minus strand). Cytogenetic location: 13q33.3.
Variant type: single nucleotide variant.
Coding change: c.2482G>A on transcript NM_206937.2 (MANE Select); coding-DNA position 2482, G replaced by A.
Protein change: p.Asp828Asn; replaces aspartic acid 828 with asparagine.
Molecular consequence: missense variant.
Genome position (GRCh38, 1-based): chr13:108,208,787, C>T on the plus strand (G>A on the coding strand, the complement: LIG4 is on the minus strand). VCF-style: chr13-108208787-C-T. GRCh37 (hg19) VCF-style: chr13-108861135-C-T.
Other names: c.2482G>A, p.Asp828Asn (NM_001098268.2, NM_001352598.2, NM_001352599.2 and 6 more transcripts); c.2281G>A, p.Asp761Asn (NM_001330595.2); c.2518G>A, p.Asp840Asn (NM_001352604.2); short protein forms D761N, D828N, D840N.
Identifiers: ClinVar variation 2123653 (VCV002123653.4), dbSNP rs1316232035, ClinGen allele CA388612921.

ClinVar aggregate classification (germline): Uncertain significance (1 of 4 stars; one submission).

Conditions:
DNA ligase IV deficiency. Identifiers: Orphanet 99812, MedGen C1847827, MONDO:0011686, OMIM 606593.

Submission:

Labcorp Genetics (formerly Invitae), Labcorp
Classification: Uncertain significance for DNA ligase IV deficiency. Last evaluated: 2022-04-17. Review status: criteria provided, single submitter. Criteria: Invitae Variant Classification Sherloc (09022015). Collection method: clinical testing. Allele origin: germline.
Comment: In summary, the available evidence is currently insufficient to determine the role of this variant in disease. Therefore, it has been classified as a Variant of Uncertain Significance. Algorithms developed to predict the effect of missense changes on protein structure and function are either unavailable or do not agree on the potential impact of this missense change (SIFT: "Deleterious"; PolyPhen-2: "Benign"; Align-GVGD: "Class C0"). This variant has not been reported in the literature in individuals affected with LIG4-related conditions. This variant is not present in population databases (gnomAD no frequency). This sequence change replaces aspartic acid, which is acidic and polar, with asparagine, which is neutral and polar, at codon 828 of the LIG4 protein (p.Asp828Asn).